The following is an entry in ClinVar:

ClinVar aggregate classification (germline): Pathogenic. Review status: criteria provided, multiple submitters, no conflicts (2 of 4 stars). 4 submissions from 4 submitters: Pathogenic (3). 1 of the submissions does not count toward it. Last evaluated 2024-07-06.

Conditions:
Bethlem myopathy 1A. Also called: Bethlem Muscular Dystrophy; Bethlem myopathy 1; MYOPATHY, BENIGN CONGENITAL, WITH CONTRACTURES. Identifiers: Orphanet 610, MedGen CN029274, MONDO:0024530, OMIM 158810.

Submissions (4):

Labcorp Genetics (formerly Invitae), Labcorp
Classification: Pathogenic for Bethlem myopathy 1A. Last evaluated: 2024-07-06. Review status: criteria provided, single submitter. Criteria: Invitae Variant Classification Sherloc (09022015). Collection method: clinical testing. Allele origin: germline.
Comment: This sequence change affects an acceptor splice site in intron 11 of the COL6A1 gene. RNA analysis indicates that disruption of this splice site induces altered splicing and may result in an absent or disrupted protein product. This variant is not present in population databases (gnomAD no frequency). Disruption of this splice site has been observed in individual(s) with autosomal dominant Bethlem myopathy (PMID: 9580662, 28688748). It has also been observed to segregate with disease in related individuals. This variant is also known as 979-1G>A. ClinVar contains an entry for this variant (Variation ID: 17170). Studies have shown that disruption of this splice site results in activation of a cryptic splice site and introduces a premature termination codon (PMID: 9580662). The resulting mRNA is expected to undergo nonsense-mediated decay. For these reasons, this variant has been classified as Pathogenic.

Victorian Clinical Genetics Services, Murdoch Childrens Research Institute
Classification: Pathogenic for Bethlem myopathy 1A. Last evaluated: 2022-02-02. Review status: criteria provided, single submitter. Criteria: ACMG Guidelines, 2015. Collection method: clinical testing. Allele origin: germline.
Comment: Based on the classification scheme VCGS_Germline_v1.3.4, this variant is classified as Pathogenic. Following criteria are met: 0103 - Dominant negative and loss of function are known mechanisms of disease in this gene and are associated with Bethlem myopathy 1 (MIM#158810) and Ullrich congenital muscular dystrophy 1 (MIM#254090). Dominant negative is associated with pathogenic missense variants affecting the Gly-X-Y repeat within the triple helical domain while loss of function is reported for null and missense variants (DECIPHER, PMID: 20976770). (I) 0108 - This gene is associated with both recessive and dominant disease (OMIM). (I) 0115 - Variants in this gene are known to have variable expressivity (GeneReviews). (I) 0210 - Splice site variant proven to affect splicing of the transcript with a known effect on protein sequence. This variant has been shown to result in a single nucleotide deletion, subsequent mRNA instability and nonsense-mediated decay (PMID: 9580662). (SP) 0251 - This variant is heterozygous. (I) 0301 - Variant is absent from gnomAD (both v2 and v3). (SP) 0701 - Other null variants comparable to the one identified in this case have very strong previous evidence for pathogenicity. There are at least ten NMD-predicted variants that have been classified as pathogenic (DECIPHER, ClinVar). (SP) 0803 - This variant has limited previous evidence of pathogenicity in an unrelated individual. This variant has been classified once as pathogenic by a clinical diagnostic laboratory (ClinVar). (SP) 0901 - This variant has strong evidence for segregation with disease. This variant has been shown to segregate in at least eight affected individuals within one family (PMID: 9580662). (SP) 1208 - Inheritance information for this variant is not currently available in this individual. (I) Legend: (SP) - Supporting pathogenic, (I) - Information, (SB) - Supporting benign

Eurofins Ntd Llc (ga)
Classification: Pathogenic. Last evaluated: 2015-08-25. Review status: criteria provided, single submitter. Criteria: EGL Classification Definitions 2015. Collection method: clinical testing. Allele origin: germline. Observed: 1 variant allele, 1 heterozygote.

OMIM
Classification: Pathogenic for BETHLEM MYOPATHY 1A. Last evaluated: 1998-06-01. Review status: no assertion criteria provided. Collection method: literature only. Allele origin: germline. Not counted in ClinVar's aggregate classification.

Literature cited by the submitters: PubMed 9580662 (cited by 3 submitters); PubMed 28688748 (cited by Labcorp Genetics (formerly Invitae), Labcorp); PubMed 20976770 (cited by Victorian Clinical Genetics Services, Murdoch Childrens Research Institute); PubMed 8268929 (cited by OMIM).

NM_001848.3(COL6A1):c.931-1G>A

Gene: COL6A1 (collagen type VI alpha 1 chain; plus strand). Cytogenetic location: 21q22.3.
Variant type: single nucleotide variant.
Coding change: c.931-1G>A on transcript NM_001848.3 (MANE Select); the canonical splice acceptor site of the intron before coding-DNA position 931, G replaced by A.
Molecular consequence: splice acceptor variant.
Genome position (GRCh38, 1-based): chr21:45,990,257, G>A. VCF-style: chr21-45990257-G-A. GRCh37 (hg19) VCF-style: chr21-47410171-G-A.
Other names: IVS11AS, G-A, -1.
Identifiers: ClinVar variation 17170 (VCV000017170.12), dbSNP rs886042354, ClinGen allele CA10604117.